The following is an entry in ClinVar:

NM_000341.4(SLC3A1):c.1881C>T (p.Ala627=)

Genes: PREPL (prolyl endopeptidase like; minus strand), SLC3A1 (solute carrier family 3 member 1; plus strand). Cytogenetic location: 2p21.
Variant type: single nucleotide variant.
Coding change: c.1881C>T on transcript NM_000341.4 (MANE Select); coding-DNA position 1881, C replaced by T.
Protein change: p.Ala627=; no amino-acid change (alanine 627 retained).
Molecular consequence: synonymous variant. On other transcripts: 3 prime UTR variant (10).
Genome position (GRCh38, 1-based): chr2:44,320,462, C>T. VCF-style: chr2-44320462-C-T. GRCh37 (hg19) VCF-style: chr2-44547601-C-T.
Other names: c.*894G>A (NM_001042385.2, NM_001042386.2, NM_001171603.1 and 7 more transcripts).
Identifiers: ClinVar variation 745966 (VCV000745966.8), dbSNP rs763292534, ClinGen allele CA1640788.

ClinVar aggregate classification (germline): Conflicting classifications of pathogenicity. Review status: criteria provided, conflicting classifications (1 of 4 stars). 3 submissions from 3 submitters: Uncertain significance (1); Likely benign (2). Last evaluated 2025-10-22.

Conditions:
SLC3A1-related disorder. Also called: SLC3A1-related condition.
Cystinuria (CSNU). Also called: Cystinuria, non-type I; CYSTINURIA, TYPE I; CYSTINURIA, TYPE II; CYSTINURIA, TYPE III. Identifiers: Orphanet 214, MedGen C0010691, MONDO:0009067, OMIM 220100, HP:0003131.

Allele frequency attached by ClinVar (database versions not stated): gnomAD 0.00001; ExAC 0.00002; gnomAD exomes 0.00002; TOPMed 0.00002.
gnomAD v4.1: 30 of 1,613,924 alleles (0.0019%); highest among the groups gnomAD compares: East Asian, 0.0045%; no homozygotes.

Submissions (3):

PreventionGenetics, part of Exact Sciences
Classification: Likely benign for SLC3A1-related condition. Last evaluated: 2025-10-22. Review status: criteria provided, single submitter. Criteria: ACMG Guidelines, 2015. Collection method: clinical testing. Allele origin: germline.
Comment: This variant is classified as likely benign based on ACMG/AMP sequence variant interpretation guidelines (Richards et al. 2015 PMID: 25741868, with internal and published modifications).

Labcorp Genetics (formerly Invitae), Labcorp
Classification: Likely benign. Last evaluated: 2018-05-22. Review status: criteria provided, single submitter. Criteria: Invitae Variant Classification Sherloc (09022015). Collection method: clinical testing. Allele origin: germline.

Illumina Laboratory Services, Illumina
Classification: Uncertain significance for Cystinuria. Last evaluated: 2018-01-12. Review status: criteria provided, single submitter. Criteria: ICSL Variant Classification Criteria 13 December 2019. Collection method: clinical testing. Allele origin: germline.